The following is an entry in ClinVar:

ClinVar aggregate classification (germline): Uncertain significance (1 of 4 stars; one submission).

Conditions:
Developmental and epileptic encephalopathy, 53. Also called: Epileptic encephalopathy, early infantile, 53. Identifiers: MedGen C4479313, MONDO:0033362, OMIM 617389.
Early-onset Parkinson disease 20. Also called: PARKINSON DISEASE 20, AUTOSOMAL RECESSIVE EARLY-ONSET. Identifiers: Orphanet 391411, MedGen C3809824, MONDO:0014233, OMIM 615530.

Allele frequency attached by ClinVar (database versions not stated): gnomAD exomes below 0.00001; gnomAD 0.00001.
gnomAD v4.1: 3 of 1,613,802 alleles (0.00019%); highest among the groups gnomAD compares: Non-Finnish European, 0.00017%; no homozygotes.

Submission:

Labcorp Genetics (formerly Invitae), Labcorp
Classification: Uncertain significance for Developmental and epileptic encephalopathy, 53; Early-onset Parkinson disease 20. Last evaluated: 2024-02-23. Review status: criteria provided, single submitter. Criteria: Invitae Variant Classification Sherloc (09022015). Collection method: clinical testing. Allele origin: germline.
Comment: This sequence change replaces arginine, which is basic and polar, with cysteine, which is neutral and slightly polar, at codon 588 of the SYNJ1 protein (p.Arg588Cys). This variant is not present in population databases (gnomAD no frequency). This variant has not been reported in the literature in individuals affected with SYNJ1-related conditions. ClinVar contains an entry for this variant (Variation ID: 1387081). Advanced modeling of protein sequence and biophysical properties (such as structural, functional, and spatial information, amino acid conservation, physicochemical variation, residue mobility, and thermodynamic stability) performed at Invitae indicates that this missense variant is expected to disrupt SYNJ1 protein function with a positive predictive value of 80%. Algorithms developed to predict the effect of sequence changes on RNA splicing suggest that this variant may disrupt the consensus splice site. In summary, the available evidence is currently insufficient to determine the role of this variant in disease. Therefore, it has been classified as a Variant of Uncertain Significance.

NM_203446.3(SYNJ1):c.1645C>T (p.Arg549Cys)

Gene: SYNJ1 (synaptojanin 1; minus strand). Cytogenetic location: 21q22.11.
Variant type: single nucleotide variant.
Coding change: c.1645C>T on transcript NM_203446.3 (MANE Select); coding-DNA position 1645, C replaced by T.
Protein change: p.Arg549Cys; replaces arginine 549 with cysteine.
Molecular consequence: missense variant.
Genome position (GRCh38, 1-based): chr21:32,673,421, G>A on the plus strand (C>T on the coding strand, the complement: SYNJ1 is on the minus strand). VCF-style: chr21-32673421-G-A. GRCh37 (hg19) VCF-style: chr21-34045731-G-A.
Other names: c.1645C>T, p.Arg549Cys (NM_001160302.2); c.1630C>T, p.Arg544Cys (NM_001160306.2); c.1762C>T, p.Arg588Cys (NM_003895.4); short protein forms R549C, R544C, R588C.
Identifiers: ClinVar variation 1387081 (VCV001387081.8), dbSNP rs2041280422, ClinGen allele CA410084995.